The following is an entry in ClinVar:

NM_020964.3(EPG5):c.6784C>T (p.Arg2262Cys)

Gene: EPG5 (ectopic P-granules 5 autophagy tethering factor; minus strand). Cytogenetic location: 18q12.3.
Variant type: single nucleotide variant.
Coding change: c.6784C>T on transcript NM_020964.3 (MANE Select); coding-DNA position 6784, C replaced by T.
Protein change: p.Arg2262Cys; replaces arginine 2262 with cysteine.
Molecular consequence: missense variant.
Genome position (GRCh38, 1-based): chr18:45,860,329, G>A on the plus strand (C>T on the coding strand, the complement: EPG5 is on the minus strand). VCF-style: chr18-45860329-G-A. GRCh37 (hg19) VCF-style: chr18-43440294-G-A.
Other names: short protein forms R2262C.
Identifiers: ClinVar variation 1022016 (VCV001022016.8), dbSNP rs973783719, ClinGen allele CA299694628.

ClinVar aggregate classification (germline): Uncertain significance. Review status: criteria provided, multiple submitters, no conflicts (2 of 4 stars). 2 submissions from 2 submitters: Uncertain significance (2). Last evaluated 2024-10-02.

Conditions:
Vici syndrome (VICIS). Identifiers: Orphanet 1493, MedGen C1855772, MONDO:0009452, OMIM 242840.

Allele frequency attached by ClinVar (database versions not stated): gnomAD 0.00001; gnomAD exomes 0.00001 and 0.00004; TOPMed 0.00001.
gnomAD v4.1: 54 of 1,614,136 alleles (0.0033%); highest among the groups gnomAD compares: Non-Finnish European, 0.0044%; no homozygotes.

Submissions (2):

Blueprint Genetics
Classification: Uncertain significance. Last evaluated: 2024-10-02. Review status: criteria provided, single submitter. Criteria: ACMG Guidelines, 2015. Collection method: clinical testing. Allele origin: germline.

Labcorp Genetics (formerly Invitae), Labcorp
Classification: Uncertain significance for Vici syndrome. Last evaluated: 2022-07-14. Review status: criteria provided, single submitter. Criteria: Invitae Variant Classification Sherloc (09022015). Collection method: clinical testing. Allele origin: germline.
Comment: This sequence change replaces arginine, which is basic and polar, with cysteine, which is neutral and slightly polar, at codon 2262 of the EPG5 protein (p.Arg2262Cys). This variant is present in population databases (no rsID available, gnomAD 0.002%). This variant has not been reported in the literature in individuals affected with EPG5-related conditions. ClinVar contains an entry for this variant (Variation ID: 1022016). Algorithms developed to predict the effect of missense changes on protein structure and function are either unavailable or do not agree on the potential impact of this missense change (SIFT: "Deleterious"; PolyPhen-2: "Benign"; Align-GVGD: "Class C0"). In summary, the available evidence is currently insufficient to determine the role of this variant in disease. Therefore, it has been classified as a Variant of Uncertain Significance.